The following is an entry in ClinVar:

ClinVar aggregate classification (germline): Uncertain significance (1 of 4 stars; one submission).

gnomAD v4.1: 8 of 1,614,100 alleles (0.0005%); highest among the groups gnomAD compares: African/African-American, 0.011%; no homozygotes.

Submission:

Labcorp Genetics (formerly Invitae), Labcorp
Classification: Uncertain significance. Last evaluated: 2025-05-05. Review status: criteria provided, single submitter. Criteria: Invitae Variant Classification Sherloc (09022015). Collection method: clinical testing. Allele origin: germline.
Comment: This sequence change replaces alanine, which is neutral and non-polar, with glycine, which is neutral and non-polar, at codon 122 of the SNAI2 protein (p.Ala122Gly). This variant is not present in population databases (gnomAD no frequency). This variant has not been reported in the literature in individuals affected with SNAI2-related conditions. An algorithm developed to predict the effect of missense changes on protein structure and function (PolyPhen-2) suggests that this variant is likely to be tolerated. In summary, the available evidence is currently insufficient to determine the role of this variant in disease. Therefore, it has been classified as a Variant of Uncertain Significance.

NM_003068.5(SNAI2):c.365C>G (p.Ala122Gly)

Gene: SNAI2 (snail family transcriptional repressor 2; minus strand). Cytogenetic location: 8q11.21.
Variant type: single nucleotide variant.
Coding change: c.365C>G on transcript NM_003068.5 (MANE Select); coding-DNA position 365, C replaced by G.
Protein change: p.Ala122Gly; replaces alanine 122 with glycine.
Molecular consequence: missense variant.
Genome position (GRCh38, 1-based): chr8:48,920,156, G>C on the plus strand (C>G on the coding strand, the complement: SNAI2 is on the minus strand). VCF-style: chr8-48920156-G-C. GRCh37 (hg19) VCF-style: chr8-49832715-G-C.
Other names: short protein forms A122G.
Identifiers: ClinVar variation 4776098 (VCV004776098.1).